The following is an entry in ClinVar:

NM_001366385.1(CARD14):c.995A>G (p.Gln332Arg)

Gene: CARD14 (caspase recruitment domain family member 14; plus strand). Cytogenetic location: 17q25.3.
Variant type: single nucleotide variant.
Coding change: c.995A>G on transcript NM_001366385.1 (MANE Select); coding-DNA position 995, A replaced by G.
Protein change: p.Gln332Arg; replaces glutamine 332 with arginine.
Molecular consequence: missense variant.
Genome position (GRCh38, 1-based): chr17:80,190,805, A>G. VCF-style: chr17-80190805-A-G. GRCh37 (hg19) VCF-style: chr17-78164604-A-G.
Other names: c.995A>G, p.Gln332Arg (NM_001257970.1, NM_024110.4); c.284A>G, p.Gln95Arg (NM_052819.3); short protein forms Q332R, Q95R.
Identifiers: ClinVar variation 4783647 (VCV004783647.1).

ClinVar aggregate classification (germline): Uncertain significance (1 of 4 stars; one submission).

Conditions:
Psoriasis 2. Identifiers: MedGen C1864497, MONDO:0011269, OMIM 602723.
Pityriasis rubra pilaris (PRP). Also called: Pityriasis rubra pilaris--familial type. Identifiers: Orphanet 2897, MedGen C0032027, MONDO:0100017, OMIM 173200, MONDO:0008251.

Submission:

Labcorp Genetics (formerly Invitae), Labcorp
Classification: Uncertain significance for Pityriasis rubra pilaris; Psoriasis 2. Last evaluated: 2025-02-20. Review status: criteria provided, single submitter. Criteria: Invitae Variant Classification Sherloc (09022015). Collection method: clinical testing. Allele origin: germline.
Comment: This sequence change replaces glutamine, which is neutral and polar, with arginine, which is basic and polar, at codon 332 of the CARD14 protein (p.Gln332Arg). This variant is not present in population databases (gnomAD no frequency). This variant has not been reported in the literature in individuals affected with CARD14-related conditions. Invitae Evidence Modeling of protein sequence and biophysical properties (such as structural, functional, and spatial information, amino acid conservation, physicochemical variation, residue mobility, and thermodynamic stability) indicates that this missense variant is not expected to disrupt CARD14 protein function with a negative predictive value of 95%. In summary, the available evidence is currently insufficient to determine the role of this variant in disease. Therefore, it has been classified as a Variant of Uncertain Significance.